The following is an entry in ClinVar:

ClinVar aggregate classification (germline): Uncertain significance (1 of 4 stars; one submission).

Conditions:
Hereditary cancer-predisposing syndrome. Also called: Tumor predisposition; Hereditary Cancer Syndrome; Neoplastic Syndromes, Hereditary; Hereditary neoplastic syndrome. Identifiers: Orphanet 140162, MedGen C0027672, MeSH D009386, MONDO:0015356.

Submission:

Ambry Genetics
Classification: Uncertain significance for Hereditary cancer-predisposing syndrome. Last evaluated: 2025-02-07. Review status: criteria provided, single submitter. Criteria: Ambry Variant Classification Scheme 2023. Collection method: clinical testing. Allele origin: germline.
Comment: The p.D913N variant (also known as c.2737G>A), located in coding exon 4 of the MSH6 gene, results from a G to A substitution at nucleotide position 2737. The aspartic acid at codon 913 is replaced by asparagine, an amino acid with highly similar properties. This amino acid position is well conserved in available vertebrate species. In addition, the in silico prediction for this alteration is inconclusive. Based on the available evidence, the clinical significance of this variant remains unclear.

NM_000179.3(MSH6):c.2737G>A (p.Asp913Asn)

Gene: MSH6 (mutS homolog 6; plus strand). Cytogenetic location: 2p16.3.
Variant type: single nucleotide variant.
Coding change: c.2737G>A on transcript NM_000179.3 (MANE Select); coding-DNA position 2737, G replaced by A.
Protein change: p.Asp913Asn; replaces aspartic acid 913 with asparagine.
Molecular consequence: missense variant.
Genome position (GRCh38, 1-based): chr2:47,800,720, G>A. VCF-style: chr2-47800720-G-A. GRCh37 (hg19) VCF-style: chr2-48027859-G-A.
Other names: c.2347G>A, p.Asp783Asn (NM_001281492.2); c.1831G>A, p.Asp611Asn (NM_001281493.2, NM_001281494.2, NM_001406811.1 and 6 more transcripts); c.2833G>A, p.Asp945Asn (NM_001406795.1, NM_001406802.1); c.2737G>A, p.Asp913Asn (NM_001406796.1, NM_001406798.1, NM_001406800.1 and 2 more transcripts); c.2440G>A, p.Asp814Asn (NM_001406797.1, NM_001406801.1, NM_001406805.1 and 10 more transcripts); c.2212G>A, p.Asp738Asn (NM_001406799.1, NM_001406806.1, NM_001406807.1); c.2659G>A, p.Asp887Asn (NM_001406804.1); c.2743G>A, p.Asp915Asn (NM_001406813.1); and 2 more; short protein forms D738N, D783N, D887N, D228N, D611N, D814N, D913N, D857N.
Identifiers: ClinVar variation 1795364 (VCV001795364.3), dbSNP rs2104421617, ClinGen allele CA346755387.